The following is an entry in ClinVar:

NM_001127208.3(TET2):c.3108C>T (p.His1036=)

Genes: TET2 (tet methylcytosine dioxygenase 2; plus strand), TET2-AS1 (TET2 antisense RNA 1; minus strand). Cytogenetic location: 4q24.
Variant type: single nucleotide variant.
Coding change: c.3108C>T on transcript NM_001127208.3 (MANE Select); coding-DNA position 3108, C replaced by T.
Protein change: p.His1036=; no amino-acid change (histidine 1036 retained).
Molecular consequence: synonymous variant.
Genome position (GRCh38, 1-based): chr4:105,237,050, C>T. VCF-style: chr4-105237050-C-T. GRCh37 (hg19) VCF-style: chr4-106158207-C-T.
Other names: c.3108C>T, p.His1036= (NM_017628.4).
Identifiers: ClinVar variation 2058531 (VCV002058531.7), dbSNP rs771702867, ClinGen allele CA3032017.
Genomic context (GRCh38, chr4:105,237,050, plus strand): 5'-TGATAATGTGCAGCAAAAGAGCATCATTGAGACCATGGAGCAGCATCTGAAGCAGTTTCA[C>T]GCCAAGTCGTTATTTGACCATAAGGCTCTTACTCTCAAATCACAGAAGCAAGTAAAAGTT-3'
Protein context (NP_001120680.1, residues 1026-1046): ETMEQHLKQF[His1036=]AKSLFDHKAL

ClinVar aggregate classification (germline): Likely benign. Review status: criteria provided, multiple submitters, no conflicts (2 of 4 stars). 3 submissions from 3 submitters: Likely benign (2). 1 of the submissions does not count toward it. Last evaluated 2025-10-17.

Conditions:
TET2-related disorder. Also called: TET2-related condition.

Allele frequency attached by ClinVar (database versions not stated): ExAC 0.00003; gnomAD 0.00003; TOPMed 0.00003.
gnomAD v4.1: 120 of 1,614,024 alleles (0.0074%); highest among the groups gnomAD compares: Non-Finnish European, 0.0097%; no homozygotes.

Submissions (3):

Labcorp Genetics (formerly Invitae), Labcorp
Classification: Likely benign. Last evaluated: 2025-10-17. Review status: criteria provided, single submitter. Criteria: Invitae Variant Classification Sherloc (09022015). Collection method: clinical testing. Allele origin: germline.

Ambry Genetics
Classification: Likely benign. Last evaluated: 2024-11-21. Review status: criteria provided, single submitter. Criteria: Ambry Variant Classification Scheme 2023. Collection method: clinical testing. Allele origin: germline.

PreventionGenetics, part of Exact Sciences
Classification: Likely benign for TET2-related condition. Last evaluated: 2020-02-14. Review status: no assertion criteria provided. Collection method: clinical testing. Allele origin: germline. Not counted in ClinVar's aggregate classification.
Comment: This variant is classified as likely benign based on ACMG/AMP sequence variant interpretation guidelines (Richards et al. 2015 PMID: 25741868, with internal and published modifications).